The following is an entry in ClinVar:

ClinVar aggregate classification (germline): Likely pathogenic (1 of 4 stars; one submission).

Conditions:
Familial multiple polyposis syndrome (FAP). Also called: Familial adenomatous polyposis; Familial intestinal polyposis; Classic familial adenomatous polyposis; Familial Adenomatous Polyposis (FAP); Familial polyposis. Identifiers: Orphanet 733, MedGen C0032580, MONDO:0021055. Disease mechanism: loss of function.

Submission:

Women's Health and Genetics/Laboratory Corporation of America, LabCorp
Classification: Likely pathogenic for Familial multiple polyposis syndrome. Last evaluated: 2022-11-03. Review status: criteria provided, single submitter. Criteria: LabCorp Variant Classification Summary - May 2015. Collection method: clinical testing. Allele origin: germline.
Comment: Variant summary: APC c.1477_1478dupTA (p.Ser494ThrfsX5) results in a premature termination codon, predicted to cause a truncation of the encoded protein or absence of the protein due to nonsense mediated decay, which are commonly known mechanisms for disease. Truncations downstream of this position have been classified as pathogenic by our laboratory. The variant was absent in 251250 control chromosomes. To our knowledge, no occurrence of c.1477_1478dupTA in individuals affected with Familial Adenomatous Polyposis and no experimental evidence demonstrating its impact on protein function have been reported. No clinical diagnostic laboratories have submitted clinical-significance assessments for this variant to ClinVar after 2014. Based on the evidence outlined above, the variant was classified as likely pathogenic.

NM_000038.6(APC):c.1477_1478dup (p.Ser494fs)

Gene: APC (APC regulator of Wnt signaling pathway; plus strand). Cytogenetic location: 5q22.2.
Variant type: Duplication.
Coding change: c.1477_1478dup on transcript NM_000038.6 (MANE Select); coding-DNA positions 1477 to 1478, 2 bases duplicated (TA; older notation c.1477_1478dupTA).
Protein change: p.Ser494fs; shifts the reading frame from serine 494.
Molecular consequence: frameshift variant.
Genome position (GRCh38, 1-based): chr5:112,827,176-112,827,177, TA duplicated. VCF-style (leftmost placement, unchanged base first): chr5-112827175-C-CTA. GRCh37 (hg19) VCF-style: chr5-112162872-C-CTA.
Other names: c.1477_1478dup, p.Ser494fs (NM_001127510.3, NM_001354895.2); c.1423_1424dup, p.Ser476fs (NM_001127511.3); c.1531_1532dup, p.Ser512fs (NM_001354896.2); c.1507_1508dup, p.Ser504fs (NM_001354897.2); c.1402_1403dup, p.Ser469fs (NM_001354898.2); c.1174_1175dup, p.Ser393fs (NM_001354903.2); c.1099_1100dup, p.Ser368fs (NM_001354904.2); c.997_998dup, p.Ser334fs (NM_001354905.2); and 16 more; short protein forms S494fs, S504fs, S512fs, S211fs, S334fs, S368fs, S393fs, S403fs.
Identifiers: ClinVar variation 1804874 (VCV001804874.1), dbSNP rs2533197102, ClinGen allele CA2580072268.
Genomic context (GRCh38, chr5:112,827,175, plus strand): 5'-ACAGGCCATTGCAGAATTATTGCAAGTGGACTGTGAAATGTATGGGCTTACTAATGACCA[C>CTA]TACAGTATTACACTAAGACGATATGCTGGAATGGCTTTGACAAACTTGACTTTTGGAGAT-3'